The following is an entry in ClinVar:

NM_001754.5(RUNX1):c.352-8G>A

Genes: RUNX1 (RUNX family transcription factor 1; minus strand), RUNX1-AS1 (RUNX1 antisense RNA 1; plus strand). Cytogenetic location: 21q22.12.
Variant type: single nucleotide variant.
Coding change: c.352-8G>A on transcript NM_001754.5 (MANE Select); 8 bases into the intron before coding-DNA position 352, G replaced by A.
Molecular consequence: intron variant.
Genome position (GRCh38, 1-based): chr21:34,880,721, C>T on the plus strand (G>A on the coding strand, the complement: RUNX1 is on the minus strand). VCF-style: chr21-34880721-C-T. GRCh37 (hg19) VCF-style: chr21-36253018-C-T.
Other names: c.271-8G>A (NM_001001890.3, NM_001122607.2).
Identifiers: ClinVar variation 842562 (VCV000842562.11), dbSNP rs766842313, ClinGen allele CA10014526.
Genomic context (GRCh38, chr21:34,880,721, plus strand): 5'-CCAGCCATCACAGTGACCAGAGTGCCATCTGGAACATCCCCTAGGGCCACCACCTAAACA[C>T]CAGTCAAAGGACAAATGCAGACATCAGGGATGTTATACATACACTTTTAGGGCATTTGTG-3'

ClinVar aggregate classification (germline): Likely benign. Review status: reviewed by expert panel (3 of 4 stars). 2 submissions from 2 submitters: Likely benign (1). 1 of the submissions does not count toward it. Last evaluated 2024-06-24.

Conditions:
Hereditary thrombocytopenia and hematological cancer predisposition syndrome associated with RUNX1. Also called: PLATELET DISORDER, ASPIRIN-LIKE; Familial Platelet Disorder with Propensity to Acute Myelogenous Leukemia; Familial thrombocytopenia with propensity to acute myelogenous leukemia; RUNX1 Familial Platelet Disorder with Associated Myeloid Malignancies. Identifiers: Orphanet 71290, MedGen C1832388, MeSH C563324, MONDO:0100083, OMIM 601399.
Hereditary thrombocytopenia and hematologic cancer predisposition syndrome. Identifiers: Orphanet 71290, MedGen CN281654, MONDO:0011071.

Allele frequency attached by ClinVar (database versions not stated): gnomAD 0.00001; gnomAD exomes 0.00001 and 0.00002; ExAC 0.00002; TOPMed 0.00002.
gnomAD v4.1: 11 of 1,613,866 alleles (0.00068%); highest among the groups gnomAD compares: East Asian, 0.022%; no homozygotes.

Submissions (2):

ClinGen Myeloid Malignancy Variant Curation Expert Panel
Classification: Likely benign for Hereditary thrombocytopenia and hematologic cancer predisposition syndrome. Last evaluated: 2024-06-24. Review status: reviewed by expert panel. Criteria: ClinGen MyeloMalig ACMG Specifications v2. Collection method: curation. Allele origin: germline. Inheritance: Autosomal dominant inheritance.
Comment: The NM_001754.5(RUNX1):c.352-8G>A variant is an intronic variant, reported at a MAF of 0.0003508 (0.04%, 7/19954 alleles) in the East Asian subpopulation of the gnomAD v2.1.1 cohort, meeting BS1 criteria. The variant has a SpliceAI score of 0.01, meeting BP4 criteria (SpliceAI ≤ 0.20). It is not evolutionarily conserved, with a phyloP100 way score of -0.697. In summary, the clinical significance of this variant is likely benign. ACMG/AMP criteria applied, as specified by the Myeloid Malignancy Variant Curation Expert Panel for RUNX1: BS1, BP4, BP7.

Labcorp Genetics (formerly Invitae), Labcorp
Classification: Likely benign for Hereditary thrombocytopenia and hematological cancer predisposition syndrome associated with RUNX1. Last evaluated: 2025-04-07. Review status: criteria provided, single submitter. Criteria: Invitae Variant Classification Sherloc (09022015). Collection method: clinical testing. Allele origin: germline. Not counted in ClinVar's aggregate classification.